The following is an entry in ClinVar:

ClinVar aggregate classification (germline): Uncertain significance (1 of 4 stars; one submission).

Conditions:
Cardiovascular phenotype. Identifiers: MedGen CN230736.

Submission:

Ambry Genetics
Classification: Uncertain significance for Cardiovascular phenotype. Last evaluated: 2020-03-10. Review status: criteria provided, single submitter. Criteria: Ambry Variant Classification Scheme 2023. Collection method: clinical testing. Allele origin: germline.
Comment: The p.V2153A variant (also known as c.6458T>C), located in coding exon 27 of the AKAP9 gene, results from a T to C substitution at nucleotide position 6458. The valine at codon 2153 is replaced by alanine, an amino acid with similar properties. This amino acid position is not well conserved in available vertebrate species. In addition, this alteration is predicted to be tolerated by in silico analysis. Since supporting evidence is limited at this time, the clinical significance of this alteration remains unclear.

NM_005751.5(AKAP9):c.6458T>C (p.Val2153Ala)

Gene: AKAP9 (A-kinase anchoring protein 9; plus strand). Cytogenetic location: 7q21.2.
Variant type: single nucleotide variant.
Coding change: c.6458T>C on transcript NM_005751.5 (MANE Select); coding-DNA position 6458, T replaced by C.
Protein change: p.Val2153Ala; replaces valine 2153 with alanine.
Molecular consequence: missense variant.
Genome position (GRCh38, 1-based): chr7:92,070,157, T>C. VCF-style: chr7-92070157-T-C. GRCh37 (hg19) VCF-style: chr7-91699471-T-C.
Other names: c.1103T>C, p.Val368Ala (NM_001379277.1); c.6458T>C, p.Val2153Ala (NM_147185.3); short protein forms V368A, V2153A.
Identifiers: ClinVar variation 1753632 (VCV001753632.2), dbSNP rs2535218708, ClinGen allele CA368134249.